The following is an entry in ClinVar:

NM_007294.4(BRCA1):c.5142T>C (p.Val1714=)

Gene: BRCA1 (BRCA1 DNA repair associated; minus strand). Cytogenetic location: 17q21.31.
Variant type: single nucleotide variant.
Coding change: c.5142T>C on transcript NM_007294.4 (MANE Select); coding-DNA position 5142, T replaced by C.
Protein change: p.Val1714=; no amino-acid change (valine 1714 retained).
Molecular consequence: synonymous variant. On other transcripts: intron variant (2).
Genome position (GRCh38, 1-based): chr17:43,063,884, A>G on the plus strand (T>C on the coding strand, the complement: BRCA1 is on the minus strand). VCF-style: chr17-43063884-A-G. GRCh37 (hg19) VCF-style: chr17-41215901-A-G.
Other names: c.4929T>C, p.Val1643= (NM_001407571.1, NM_001407894.1, NM_001407895.1 and 12 more transcripts); c.5208T>C, p.Val1736= (NM_001407581.1, NM_001407582.1); c.5205T>C, p.Val1735= (NM_001407583.1, NM_001407585.1, NM_001407587.1 and 1 more transcripts); c.5202T>C, p.Val1734= (NM_001407590.1, NM_001407591.1); c.5142T>C, p.Val1714= (NM_001407593.1, NM_001407594.1, NM_001407596.1 and 7 more transcripts); c.5139T>C, p.Val1713= (NM_001407610.1, NM_001407611.1, NM_001407612.1 and 17 more transcripts); c.5136T>C, p.Val1712= (NM_001407627.1, NM_001407628.1, NM_001407629.1 and 14 more transcripts); c.5133T>C, p.Val1711= (NM_001407644.1, NM_001407645.1); and 73 more.
Identifiers: ClinVar variation 867401 (VCV000867401.3), dbSNP rs749319480, ClinGen allele CA500146141.
Genomic context (GRCh38, chr17:43,063,884, plus strand): 5'-GCAATTCTGAGGTGTTAAAGGGAGGAGGGGAGAAATAGTATTATACTTACAGAAATAGCT[A>G]ACTACCCATTTTCCTCCCGCAATTCCTAGAAAATATTTCAGTGTCCGTTCACACACAAAC-3'
Protein context (NP_009225.1, residues 1704-1724): FLGIAGGKWV[Val1714=]SYFWVTQSIK

Conditions:
Breast-ovarian cancer, familial, susceptibility to, 1 (BROVCA1). Also called: BRCA1 Hereditary Breast and Ovarian Cancer; OVARIAN CANCER, SUSCEPTIBILITY TO. Identifiers: Orphanet 145, MedGen C2676676, MONDO:0011450, OMIM 604370. Disease mechanism: loss of function.

Submission:

Brotman Baty Institute, University of Washington
No classification provided (evidence only). Condition: Breast-ovarian cancer, familial 1. Review status: no classification provided. Collection method: in vitro. Allele origin: not applicable. Functional consequence: functionally_normal.
ClinVar note: "not provided" was previously submitted as the classification for the variant. However, the classification appeared to be based only on an observation of functional data so it was converted to no classification on 2025-07-30.